The following is an entry in ClinVar:

NM_000057.4(BLM):c.1715A>C (p.His572Pro)

Gene: BLM (BLM RecQ like helicase; plus strand). Cytogenetic location: 15q26.1.
Variant type: single nucleotide variant.
Coding change: c.1715A>C on transcript NM_000057.4 (MANE Select); coding-DNA position 1715, A replaced by C.
Protein change: p.His572Pro; replaces histidine 572 with proline.
Molecular consequence: missense variant.
Genome position (GRCh38, 1-based): chr15:90,761,088, A>C. VCF-style: chr15-90761088-A-C. GRCh37 (hg19) VCF-style: chr15-91304318-A-C.
Other names: c.1715A>C, p.His572Pro (NM_001287246.2, NM_001287247.2); c.590A>C, p.His197Pro (NM_001287248.2); c.1715A>C (NM_000057.2); short protein forms H197P, H572P.
Identifiers: ClinVar variation 1443366 (VCV001443366.9), dbSNP rs763355238, ClinGen allele CA274738385.
Genomic context (GRCh38, chr15:90,761,088, plus strand): 5'-ATATTGATAATTTTGACATAGATGACTTTGATGATGATGATGACTGGGAAGACATAATGC[A>C]TAATTTAGCAGCCAGCAAATCTTCCACAGCTGCCTATCAACCCATCAAGGAAGGTCGGCC-3'
Protein context (NP_000048.1, residues 562-582): DDDDDWEDIM[His572Pro]NLAASKSSTA

ClinVar aggregate classification (germline): Uncertain significance. Review status: criteria provided, multiple submitters, no conflicts (2 of 4 stars). 2 submissions from 2 submitters: Uncertain significance (2). Last evaluated 2025-01-05.

Conditions:
Bloom syndrome (BLM). Also called: Bloom-Torre-Machacek syndrome. Identifiers: Orphanet 125, MedGen C0005859, MONDO:0008876, OMIM 210900.
Hereditary cancer-predisposing syndrome. Also called: Tumor predisposition; Hereditary Cancer Syndrome; Hereditary neoplastic syndrome; Neoplastic Syndromes, Hereditary. Identifiers: Orphanet 140162, MedGen C0027672, MeSH D009386, MONDO:0015356.

Submissions (2):

Ambry Genetics
Classification: Uncertain significance for Hereditary cancer-predisposing syndrome. Last evaluated: 2025-01-05. Review status: criteria provided, single submitter. Criteria: Ambry Variant Classification Scheme 2023. Collection method: clinical testing. Allele origin: germline.
Comment: The p.H572P variant (also known as c.1715A>C), located in coding exon 6 of the BLM gene, results from an A to C substitution at nucleotide position 1715. The histidine at codon 572 is replaced by proline, an amino acid with similar properties. This amino acid position is conserved. In addition, this alteration is predicted to be tolerated by in silico analysis. Based on the available evidence, the clinical significance of this variant remains unclear.

Labcorp Genetics (formerly Invitae), Labcorp
Classification: Uncertain significance for Bloom syndrome. Last evaluated: 2023-02-09. Review status: criteria provided, single submitter. Criteria: Invitae Variant Classification Sherloc (09022015). Collection method: clinical testing. Allele origin: germline.
Comment: This variant has not been reported in the literature in individuals affected with BLM-related conditions. ClinVar contains an entry for this variant (Variation ID: 1443366). Advanced modeling of protein sequence and biophysical properties (such as structural, functional, and spatial information, amino acid conservation, physicochemical variation, residue mobility, and thermodynamic stability) performed at Invitae indicates that this missense variant is not expected to disrupt BLM protein function. In summary, the available evidence is currently insufficient to determine the role of this variant in disease. Therefore, it has been classified as a Variant of Uncertain Significance. This variant is not present in population databases (gnomAD no frequency). This sequence change replaces histidine, which is basic and polar, with proline, which is neutral and non-polar, at codon 572 of the BLM protein (p.His572Pro).